The following is an entry in ClinVar:

ClinVar aggregate classification (germline): Benign. Review status: criteria provided, multiple submitters, no conflicts (2 of 4 stars). 5 submissions from 5 submitters: Benign (5). Last evaluated 2026-02-02.

Conditions:
Aldosterone-producing adenoma with seizures and neurological abnormalities. Also called: Primary aldosteronism, seizures, and neurologic abnormalities. Identifiers: Orphanet 369929, MedGen C3809609, MONDO:0014200, OMIM 615474.

Allele frequency attached by ClinVar (database versions not stated): ESP Exome Variant Server 0.00023; gnomAD 0.00535; TOPMed 0.00676; ExAC 0.00935; 1000 Genomes Project 30x 0.01983; 1000 Genomes Project 0.02177.
gnomAD v4.1: 6,110 of 1,571,500 alleles (0.39%); highest among the groups gnomAD compares: East Asian, 7.7%; 176 homozygotes.

Submissions (5):

Labcorp Genetics (formerly Invitae), Labcorp
Classification: Benign. Last evaluated: 2026-02-02. Review status: criteria provided, single submitter. Criteria: Invitae Variant Classification Sherloc (09022015). Collection method: clinical testing. Allele origin: germline.

Mayo Clinic Laboratories, Mayo Clinic
Classification: Benign. Last evaluated: 2023-10-28. Review status: criteria provided, single submitter. Criteria: ACMG Guidelines, 2015. Collection method: clinical testing. Allele origin: germline. Observed: 6 variant alleles.

KCCC/NGS Laboratory, Kuwait Cancer Control Center
Classification: Benign for Aldosterone-producing adenoma with seizures and neurological abnormalities. Last evaluated: 2023-07-07. Review status: criteria provided, single submitter. Criteria: ACMG Guidelines, 2015. Collection method: clinical testing. Allele origin: germline. Affected: yes.

GeneDx
Classification: Benign. Last evaluated: 2017-08-03. Review status: criteria provided, single submitter. Criteria: GeneDx Variant Classification (06012015). Collection method: clinical testing. Allele origin: germline. Affected: yes.
Comment: This variant is considered likely benign or benign based on one or more of the following criteria: it is a conservative change, it occurs at a poorly conserved position in the protein, it is predicted to be benign by multiple in silico algorithms, and/or has population frequency not consistent with disease.

Laboratory for Molecular Medicine, Mass General Brigham Personalized Medicine
Classification: Benign. Last evaluated: 2014-11-24. Review status: criteria provided, single submitter. Criteria: LMM Criteria. Collection method: clinical testing. Allele origin: germline. Observed: 13 variant alleles.
Comment: 1220+10C>T in intron 8 of CACNA1D: This variant is not expected to have clinical significance because it is not located within the conserved splice consensus se quence. It has been identified in 12.9% (25/194) of Han Chinese chromosomes from a broad population by the 1000 Genomes Project (jects/SNP; dbSNP rs117630105).

NM_001128840.3(CACNA1D):c.1220+700C>T

Gene: CACNA1D (calcium voltage-gated channel subunit alpha1 D; plus strand). Cytogenetic location: 3p21.1.
Variant type: single nucleotide variant.
Coding change: c.1220+700C>T on transcript NM_001128840.3 (MANE Select); 700 bases into the intron after coding-DNA position 1220, C replaced by T.
Molecular consequence: intron variant.
Genome position (GRCh38, 1-based): chr3:53,673,826, C>T. VCF-style: chr3-53673826-C-T. GRCh37 (hg19) VCF-style: chr3-53707853-C-T.
Other names: p.?; c.1220+700C>T (NM_001128839.3); c.1220+10C>T (NM_000720.4).
Identifiers: ClinVar variation 226468 (VCV000226468.14), dbSNP rs117630105, ClinGen allele CA2453862.